The following is an entry in ClinVar:

ClinVar aggregate classification (germline): Uncertain significance (1 of 4 stars; one submission).

Conditions:
NRXN3-related disorder. Also called: NRXN3-related condition.

Submission:

PreventionGenetics, part of Exact Sciences
Classification: Uncertain significance for NRXN3-related condition. Last evaluated: 2026-09-04. Review status: criteria provided, single submitter. Criteria: ACMG Guidelines, 2015. Collection method: clinical testing. Allele origin: germline.
Comment: The NRXN3 c.2360G>C variant is predicted to result in the amino acid substitution p.Gly787Ala. To our knowledge, this variant has not been reported in the literature or in a large population database (gnomAD), indicating this variant is rare. At this time, the clinical significance of this variant is uncertain due to the absence of conclusive functional and genetic evidence.

NM_001330195.2(NRXN3):c.3479G>C (p.Gly1160Ala)

Gene: NRXN3 (neurexin 3; plus strand). Cytogenetic location: 14q31.1.
Variant type: single nucleotide variant.
Coding change: c.3479G>C on transcript NM_001330195.2 (MANE Select); coding-DNA position 3479, G replaced by C.
Protein change: p.Gly1160Ala; replaces glycine 1160 with alanine.
Molecular consequence: missense variant. On other transcripts: non-coding transcript variant (5).
Genome position (GRCh38, 1-based): chr14:79,663,812, G>C. VCF-style: chr14-79663812-G-C. GRCh37 (hg19) VCF-style: chr14-80130155-G-C.
Other names: c.464G>C, p.Gly155Ala (NM_001105250.3, NM_001272020.2, NM_138970.5); c.3479G>C, p.Gly1160Ala (NM_001366425.1); c.3491G>C, p.Gly1164Ala (NM_001366426.1); c.2360G>C, p.Gly787Ala (NM_004796.6); short protein forms G787A, G1164A, G1160A, G155A.
Identifiers: ClinVar variation 4995033 (VCV004995033.1).